The following is an entry in ClinVar:

ClinVar aggregate classification (germline): Uncertain significance (1 of 4 stars; one submission).

gnomAD v4.1: 15 of 1,573,926 alleles (0.00095%); highest among the groups gnomAD compares: South Asian, 0.0058%; no homozygotes.

Submission:

Labcorp Genetics (formerly Invitae), Labcorp
Classification: Uncertain significance. Last evaluated: 2024-08-07. Review status: criteria provided, single submitter. Criteria: Invitae Variant Classification Sherloc (09022015). Collection method: clinical testing. Allele origin: germline.
Comment: This sequence change falls in intron 4 of the WFS1 gene. It does not directly change the encoded amino acid sequence of the WFS1 protein. It affects a nucleotide within the consensus splice site. This variant is present in population databases (rs763939426, gnomAD 0.01%). This variant has not been reported in the literature in individuals affected with WFS1-related conditions. Variants that disrupt the consensus splice site are a relatively common cause of aberrant splicing (PMID: 17576681, 9536098). Algorithms developed to predict the effect of sequence changes on RNA splicing suggest that this variant is not likely to affect RNA splicing. In summary, the available evidence is currently insufficient to determine the role of this variant in disease. Therefore, it has been classified as a Variant of Uncertain Significance.

Literature cited by the submitters: PubMed 17576681; PubMed 9536098.

NM_006005.3(WFS1):c.460+4G>A

Gene: WFS1 (wolframin ER transmembrane glycoprotein; plus strand). Cytogenetic location: 4p16.1.
Variant type: single nucleotide variant.
Coding change: c.460+4G>A on transcript NM_006005.3 (MANE Select); 4 bases into the intron after coding-DNA position 460, G replaced by A.
Molecular consequence: intron variant.
Genome position (GRCh38, 1-based): chr4:6,289,135, G>A. VCF-style: chr4-6289135-G-A. GRCh37 (hg19) VCF-style: chr4-6290862-G-A.
Other names: c.460+4G>A (NM_001145853.1).
Identifiers: ClinVar variation 3623682 (VCV003623682.2).